The following is an entry in ClinVar:

ClinVar aggregate classification (germline): Uncertain significance (1 of 4 stars; one submission).

Conditions:
Megalencephaly-polymicrogyria-polydactyly-hydrocephalus syndrome 2 (MPPH2). Also called: MEGALENCEPHALY-POLYMICROGYRIA-POLYDACTYLY-HYDROCEPHALUS SYNDROME 2, SOMATIC. Identifiers: Orphanet 83473, MedGen C4014738, MONDO:0014407, OMIM 615937.

gnomAD v4.1: 1 of 1,612,722 alleles (0.000062%); highest among the groups gnomAD compares: Non-Finnish European, 0.000085%; no homozygotes.

Submission:

Labcorp Genetics (formerly Invitae), Labcorp
Classification: Uncertain significance for Megalencephaly-polymicrogyria-polydactyly-hydrocephalus syndrome 2. Last evaluated: 2023-07-17. Review status: criteria provided, single submitter. Criteria: Invitae Variant Classification Sherloc (09022015). Collection method: clinical testing. Allele origin: germline.
Comment: This variant has not been reported in the literature in individuals affected with AKT3-related conditions. In summary, the available evidence is currently insufficient to determine the role of this variant in disease. Therefore, it has been classified as a Variant of Uncertain Significance. An algorithm developed to predict the effect of missense changes on protein structure and function (PolyPhen-2) suggests that this variant is likely to be tolerated. This variant is not present in population databases (gnomAD no frequency). This sequence change replaces threonine, which is neutral and polar, with proline, which is neutral and non-polar, at codon 122 of the AKT3 protein (p.Thr122Pro).

NM_005465.7(AKT3):c.364A>C (p.Thr122Pro)

Gene: AKT3 (AKT serine/threonine kinase 3; minus strand). Cytogenetic location: 1q44.
Variant type: single nucleotide variant.
Coding change: c.364A>C on transcript NM_005465.7 (MANE Select); coding-DNA position 364, A replaced by C.
Protein change: p.Thr122Pro; replaces threonine 122 with proline.
Molecular consequence: missense variant.
Genome position (GRCh38, 1-based): chr1:243,645,958, T>G on the plus strand (A>C on the coding strand, the complement: AKT3 is on the minus strand). VCF-style: chr1-243645958-T-G. GRCh37 (hg19) VCF-style: chr1-243809260-T-G.
Other names: c.364A>C, p.Thr122Pro (NM_001206729.2, NM_001370074.1, NM_181690.2); short protein forms T122P.
Identifiers: ClinVar variation 2744418 (VCV002744418.3), dbSNP rs371339772, ClinGen allele CA345670633.